The following is an entry in ClinVar:

NM_004698.4(PRPF3):c.*228A>G

Gene: PRPF3 (pre-mRNA processing factor 3; plus strand). Cytogenetic location: 1q21.2.
Variant type: single nucleotide variant.
Coding change: c.*228A>G on transcript NM_004698.4 (MANE Select); 228 bases downstream of the stop codon, A replaced by G.
Molecular consequence: 3 prime UTR variant. On other transcripts: non-coding transcript variant (4).
Genome position (GRCh38, 1-based): chr1:150,353,207, A>G. VCF-style: chr1-150353207-A-G. GRCh37 (hg19) VCF-style: chr1-150325683-A-G.
Other names: c.*228A>G (NM_001350529.1).
Identifiers: ClinVar variation 292512 (VCV000292512.6), dbSNP rs41300863, ClinGen allele CA10608126.

ClinVar aggregate classification (germline): Benign. Review status: criteria provided, multiple submitters, no conflicts (2 of 4 stars). 2 submissions from 2 submitters: Benign (2). Last evaluated 2018-01-13.

Conditions:
Retinitis pigmentosa (RP). Identifiers: Orphanet 791, MedGen C0035334, MeSH D012174, MONDO:0019200, OMIM 268000. Inheritance: Autosomal dominant, autosomal recessive and X linked inheritance.

Allele frequency attached by ClinVar (database versions not stated): 1000 Genomes Project 0.01278; 1000 Genomes Project 30x 0.01312; TOPMed 0.03130; gnomAD 0.03424 and 0.03569; gnomAD exomes 0.04319.
gnomAD v4.1: 22,917 of 562,664 alleles (4.1%); highest among the groups gnomAD compares: Non-Finnish European, 5.2%; 630 homozygotes.

Submissions (2):

Illumina Laboratory Services, Illumina
Classification: Benign for Retinitis pigmentosa. Last evaluated: 2018-01-13. Review status: criteria provided, single submitter. Criteria: ICSL Variant Classification Criteria 13 December 2019. Collection method: clinical testing. Allele origin: germline.
Comment: This variant was observed in the ICSL laboratory as part of a predisposition screen in an ostensibly healthy population. It had not been previously curated by ICSL or reported in the Human Gene Mutation Database (HGMD: prior to June 1st, 2018), and was therefore a candidate for classification through an automated scoring system. Utilizing variant allele frequency, disease prevalence and penetrance estimates, and inheritance mode, an automated score was calculated to assess if this variant is too frequent to cause the disease. Based on the score and internal cut-off values, a variant classified as benign is not then subjected to further curation. The score for this variant resulted in a classification of benign for this disease.

Breakthrough Genomics
Classification: Benign. Review status: criteria provided, single submitter. Criteria: ACMG Guidelines, 2015. Collection method: not provided. Allele origin: germline. Inheritance: Autosomal dominant inheritance. Affected: yes.